The following is an entry in ClinVar:

NM_000478.6(ALPL):c.604A>G (p.Lys202Glu)

Gene: ALPL (alkaline phosphatase, biomineralization associated; plus strand). Cytogenetic location: 1p36.12.
Variant type: single nucleotide variant.
Coding change: c.604A>G on transcript NM_000478.6 (MANE Select); coding-DNA position 604, A replaced by G.
Protein change: p.Lys202Glu; replaces lysine 202 with glutamic acid.
Molecular consequence: missense variant.
Genome position (GRCh38, 1-based): chr1:21,564,172, A>G. VCF-style: chr1-21564172-A-G. GRCh37 (hg19) VCF-style: chr1-21890665-A-G.
Other names: c.439A>G, p.Lys147Glu (NM_001127501.4); c.373A>G, p.Lys125Glu (NM_001177520.3); c.604A>G, p.Lys202Glu (NM_001369803.2, NM_001369804.2, NM_001369805.2); short protein forms K125E, K202E, K147E.
Identifiers: ClinVar variation 1994144 (VCV001994144.4), dbSNP rs2545304259, ClinGen allele CA338878265.

ClinVar aggregate classification (germline): Uncertain significance (1 of 4 stars; one submission).

Submission:

Labcorp Genetics (formerly Invitae), Labcorp
Classification: Uncertain significance. Last evaluated: 2024-06-03. Review status: criteria provided, single submitter. Criteria: Invitae Variant Classification Sherloc (09022015). Collection method: clinical testing. Allele origin: germline.
Comment: This sequence change replaces lysine, which is basic and polar, with glutamic acid, which is acidic and polar, at codon 202 of the ALPL protein (p.Lys202Glu). This variant is not present in population databases (gnomAD no frequency). This variant has not been reported in the literature in individuals affected with ALPL-related conditions. ClinVar contains an entry for this variant (Variation ID: 1994144). Advanced modeling of protein sequence and biophysical properties (such as structural, functional, and spatial information, amino acid conservation, physicochemical variation, residue mobility, and thermodynamic stability) performed at Invitae indicates that this missense variant is expected to disrupt ALPL protein function with a positive predictive value of 95%. In summary, the available evidence is currently insufficient to determine the role of this variant in disease. Therefore, it has been classified as a Variant of Uncertain Significance.